The following is an entry in ClinVar:

NM_002161.6(IARS1):c.2861C>G (p.Ala954Gly)

Gene: IARS1 (isoleucyl-tRNA synthetase 1; minus strand). Cytogenetic location: 9q22.31.
Variant type: single nucleotide variant.
Coding change: c.2861C>G on transcript NM_002161.6 (MANE Select); coding-DNA position 2861, C replaced by G.
Protein change: p.Ala954Gly; replaces alanine 954 with glycine.
Molecular consequence: missense variant. On other transcripts: non-coding transcript variant (1).
Genome position (GRCh38, 1-based): chr9:92,245,002, G>C on the plus strand (C>G on the coding strand, the complement: IARS1 is on the minus strand). VCF-style: chr9-92245002-G-C. GRCh37 (hg19) VCF-style: chr9-95007284-G-C.
Other names: c.2786C>G, p.Ala929Gly (NM_001374299.1, NM_001374300.1, NM_001378584.1); c.2777C>G, p.Ala926Gly (NM_001374301.1); c.2924C>G, p.Ala975Gly (NM_001378569.1); c.2882C>G, p.Ala961Gly (NM_001378571.1); c.2861C>G, p.Ala954Gly (NM_001378572.1, NM_001378573.1, NM_001378574.1 and 9 more transcripts); c.2765C>G, p.Ala922Gly (NM_001378582.1); c.2738C>G, p.Ala913Gly (NM_001378583.1); c.2861C>G (NM_013417.2); short protein forms A926G, A975G, A922G, A961G, A913G, A954G, A929G.
Identifiers: ClinVar variation 2069174 (VCV002069174.5), dbSNP rs746428880, ClinGen allele CA5122074.

ClinVar aggregate classification (germline): Uncertain significance. Review status: criteria provided, multiple submitters, no conflicts (2 of 4 stars). 2 submissions from 2 submitters: Uncertain significance (2). Last evaluated 2024-12-04.

Allele frequency attached by ClinVar (database versions not stated): ExAC 0.00004; gnomAD 0.00002; gnomAD exomes 0.00002; TOPMed 0.00004.
gnomAD v4.1: 34 of 1,613,978 alleles (0.0021%); highest among the groups gnomAD compares: East Asian, 0.074%; no homozygotes.

Submissions (2):

Ambry Genetics
Classification: Uncertain significance. Last evaluated: 2024-12-04. Review status: criteria provided, single submitter. Criteria: Ambry Variant Classification Scheme 2023. Collection method: clinical testing. Allele origin: germline.

Labcorp Genetics (formerly Invitae), Labcorp
Classification: Uncertain significance. Last evaluated: 2022-07-11. Review status: criteria provided, single submitter. Criteria: Invitae Variant Classification Sherloc (09022015). Collection method: clinical testing. Allele origin: germline.
Comment: In summary, the available evidence is currently insufficient to determine the role of this variant in disease. Therefore, it has been classified as a Variant of Uncertain Significance. Algorithms developed to predict the effect of missense changes on protein structure and function (SIFT, PolyPhen-2, Align-GVGD) all suggest that this variant is likely to be tolerated. This variant has not been reported in the literature in individuals affected with IARS-related conditions. This variant is present in population databases (rs746428880, gnomAD 0.08%). This sequence change replaces alanine, which is neutral and non-polar, with glycine, which is neutral and non-polar, at codon 954 of the IARS protein (p.Ala954Gly).